The following is an entry in ClinVar:

NM_000038.6(APC):c.460G>A (p.Glu154Lys)

Gene: APC (APC regulator of Wnt signaling pathway; plus strand). Cytogenetic location: 5q22.2.
Variant type: single nucleotide variant.
Coding change: c.460G>A on transcript NM_000038.6 (MANE Select); coding-DNA position 460, G replaced by A.
Protein change: p.Glu154Lys; replaces glutamic acid 154 with lysine.
Molecular consequence: missense variant. On other transcripts: 5 prime UTR variant (1).
Genome position (GRCh38, 1-based): chr5:112,775,666, G>A. VCF-style: chr5-112775666-G-A. GRCh37 (hg19) VCF-style: chr5-112111363-G-A.
Other names: c.460G>A, p.Glu154Lys (NM_001127510.3, NM_001354895.2, NM_001354896.2 and 2 more transcripts); c.490G>A, p.Glu164Lys (NM_001127511.3, NM_001354897.2, NM_001354902.2); c.385G>A, p.Glu129Lys (NM_001354898.2, NM_001354904.2); c.283G>A, p.Glu95Lys (NM_001354900.2, NM_001354901.2, NM_001354905.2); c.-576G>A (NM_001354906.2); short protein forms E154K, E164K, E129K, E95K.
Identifiers: ClinVar variation 186272 (VCV000186272.22), dbSNP rs786202822, ClinGen allele CA009636.

ClinVar aggregate classification (germline): Conflicting classifications of pathogenicity. Review status: criteria provided, conflicting classifications (1 of 4 stars). 5 submissions from 5 submitters: Uncertain significance (4); Likely benign (1). Last evaluated 2025-09-30.

Conditions:
Hereditary cancer-predisposing syndrome. Also called: Neoplastic Syndromes, Hereditary; Hereditary neoplastic syndrome; Tumor predisposition; Hereditary Cancer Syndrome. Identifiers: Orphanet 140162, MedGen C0027672, MeSH D009386, MONDO:0015356.
Familial adenomatous polyposis 1 (FAP1). Also called: POLYPOSIS, ADENOMATOUS INTESTINAL; FAMILIAL ADENOMATOUS POLYPOSIS 1, ATTENUATED. Identifiers: MedGen C2713442, MONDO:0021056, OMIM 175100. Disease mechanism: loss of function.

Allele frequency attached by ClinVar (database versions not stated): gnomAD exomes below 0.00001; gnomAD 0.00001; TOPMed 0.00001.
gnomAD v4.1: 2 of 1,606,646 alleles (0.00012%); highest among the groups gnomAD compares: African/African-American, 0.0027%; no homozygotes.

Submissions (5):

Ambry Genetics
Classification: Likely benign for Hereditary cancer-predisposing syndrome. Last evaluated: 2025-09-30. Review status: criteria provided, single submitter. Criteria: Ambry Variant Classification Scheme 2023. Collection method: clinical testing. Allele origin: germline.

Labcorp Genetics (formerly Invitae), Labcorp
Classification: Uncertain significance for Familial adenomatous polyposis 1. Last evaluated: 2025-08-17. Review status: criteria provided, single submitter. Criteria: Invitae Variant Classification Sherloc (09022015). Collection method: clinical testing. Allele origin: germline.
Comment: This sequence change replaces glutamic acid, which is acidic and polar, with lysine, which is basic and polar, at codon 154 of the APC protein (p.Glu154Lys). This variant is present in population databases (rs786202822, gnomAD 0.01%). This missense change has been observed in individual(s) with breast and stomach cancer (PMID: 35534704). ClinVar contains an entry for this variant (Variation ID: 186272). Invitae Evidence Modeling of protein sequence and biophysical properties (such as structural, functional, and spatial information, amino acid conservation, physicochemical variation, residue mobility, and thermodynamic stability) indicates that this missense variant is not expected to disrupt APC protein function with a negative predictive value of 95%. In summary, the available evidence is currently insufficient to determine the role of this variant in disease. Therefore, it has been classified as a Variant of Uncertain Significance.

Dasa
Classification: Uncertain significance. Last evaluated: 2025-05-31. Review status: criteria provided, single submitter. Criteria: DASA Assertion Criteria. Collection method: clinical testing. Allele origin: germline.
Comment: NM_000038.6(APC):c.460G>A (p.Glu154Lys) is a missense variant that results in the substitution of glutamic acid with lysine. This variant is rare in population databases. The currently available literature and clinical evidence are not sufficient to establish a definitive association between this variant and the reported condition. Therefore, this variant is classified as a variant of uncertain significance.

GeneDx
Classification: Uncertain significance. Last evaluated: 2023-05-24. Review status: criteria provided, single submitter. Criteria: GeneDx Variant Classification Process June 2021. Collection method: clinical testing. Allele origin: germline. Affected: yes.
Comment: Not observed at a significant frequency in large population cohorts (gnomAD); In silico analysis supports that this missense variant has a deleterious effect on protein structure/function; Observed in at least one individual with breast cancer (Guindalini et al., 2022); This variant is associated with the following publications: (PMID: 35264596)

Mendelics
Classification: Uncertain significance for Familial adenomatous polyposis 1. Last evaluated: 2018-07-02. Review status: criteria provided, single submitter. Criteria: Mendelics Assertion Criteria 2017. Collection method: clinical testing. Allele origin: unknown.

Literature cited by the submitters: PubMed 35534704 (cited by Labcorp Genetics (formerly Invitae), Labcorp).